The following is an entry in ClinVar:

ClinVar aggregate classification (germline): Benign (1 of 4 stars; one submission).

Allele frequency attached by ClinVar (database versions not stated): gnomAD exomes 0.00463; 1000 Genomes Project 0.04153; gnomAD 0.04270 and 0.04607; 1000 Genomes Project 30x 0.04591; TOPMed 0.04856.
gnomAD v4.1: 11,486 of 1,182,330 alleles (0.97%); highest among the groups gnomAD compares: African/African-American, 15%; 785 homozygotes.

Submission:

GeneDx
Classification: Benign. Last evaluated: 2018-06-19. Review status: criteria provided, single submitter. Criteria: GeneDx Variant Classification (06012015). Collection method: clinical testing. Allele origin: germline. Affected: yes.
Comment: This variant is considered likely benign or benign based on one or more of the following criteria: it is a conservative change, it occurs at a poorly conserved position in the protein, it is predicted to be benign by multiple in silico algorithms, and/or has population frequency not consistent with disease.

NM_001105206.3(LAMA4):c.3696+109C>T

Gene: LAMA4 (laminin subunit alpha 4; minus strand). Cytogenetic location: 6q21.
Variant type: single nucleotide variant.
Coding change: c.3696+109C>T on transcript NM_001105206.3 (MANE Select); 109 bases into the intron after coding-DNA position 3696, C replaced by T.
Molecular consequence: intron variant.
Genome position (GRCh38, 1-based): chr6:112,133,240, G>A on the plus strand (C>T on the coding strand, the complement: LAMA4 is on the minus strand). VCF-style: chr6-112133240-G-A. GRCh37 (hg19) VCF-style: chr6-112454442-G-A.
Other names: c.3675+109C>T (NM_002290.5, NM_001105207.3).
Identifiers: ClinVar variation 675366 (VCV000675366.1), dbSNP rs60125059, ClinGen allele CA144888345.